The following is an entry in ClinVar:

NM_000165.5(GJA1):c.413G>T (p.Gly138Val)

Gene: GJA1 (gap junction protein alpha 1; plus strand). Cytogenetic location: 6q22.31.
Variant type: single nucleotide variant.
Coding change: c.413G>T on transcript NM_000165.5 (MANE Select); coding-DNA position 413, G replaced by T.
Protein change: p.Gly138Val; replaces glycine 138 with valine.
Molecular consequence: missense variant.
Genome position (GRCh38, 1-based): chr6:121,447,260, G>T. VCF-style: chr6-121447260-G-T. GRCh37 (hg19) VCF-style: chr6-121768406-G-T.
Other names: short protein forms G138V.
Identifiers: ClinVar variation 2747051 (VCV002747051.3), dbSNP rs1554201019, ClinGen allele CA365558959.
Genomic context (GRCh38, chr6:121,447,260, plus strand): 5'-CTGATGGTGTCAATGTGGACATGCACTTGAAGCAGATTGAGATAAAGAAGTTCAAGTACG[G>T]TATTGAAGAGCATGGTAAGGTGAAAATGCGAGGGGGGTTGCTGCGAACCTACATCATCAG-3'
Protein context (NP_000156.1, residues 128-148): KQIEIKKFKY[Gly138Val]IEEHGKVKMR

ClinVar aggregate classification (germline): Uncertain significance (1 of 4 stars; one submission).

Conditions:
Oculodentodigital dysplasia, autosomal recessive. Also called: OCULODENTOOSSEOUS DYSPLASIA, AUTOSOMAL RECESSIVE; ODDD, AUTOSOMAL RECESSIVE; ODOD, AUTOSOMAL RECESSIVE. Identifiers: Orphanet 2710, MedGen C2749477, MONDO:0009768, OMIM 257850.

Submission:

Labcorp Genetics (formerly Invitae), Labcorp
Classification: Uncertain significance for Oculodentodigital dysplasia, autosomal recessive. Last evaluated: 2024-04-25. Review status: criteria provided, single submitter. Criteria: Invitae Variant Classification Sherloc (09022015). Collection method: clinical testing. Allele origin: germline.
Comment: This sequence change replaces glycine, which is neutral and non-polar, with valine, which is neutral and non-polar, at codon 138 of the GJA1 protein (p.Gly138Val). This variant is not present in population databases (gnomAD no frequency). This variant has not been reported in the literature in individuals affected with GJA1-related conditions. Advanced modeling of protein sequence and biophysical properties (such as structural, functional, and spatial information, amino acid conservation, physicochemical variation, residue mobility, and thermodynamic stability) performed at Invitae indicates that this missense variant is not expected to disrupt GJA1 protein function with a negative predictive value of 80%. This variant disrupts the p.Gly138 amino acid residue in GJA1. Other variant(s) that disrupt this residue have been determined to be pathogenic (PMID: 18946008, 19338053, 25388818). This suggests that this residue is clinically significant, and that variants that disrupt this residue are likely to be disease-causing. In summary, the available evidence is currently insufficient to determine the role of this variant in disease. Therefore, it has been classified as a Variant of Uncertain Significance.

Literature cited by the submitters: PubMed 18946008; PubMed 19338053; PubMed 25388818.